The following is an entry in ClinVar:

NM_003587.5(DHX16):c.2248A>G (p.Thr750Ala)

Gene: DHX16 (DEAH-box helicase 16; minus strand). Cytogenetic location: 6p21.33.
Variant type: single nucleotide variant.
Coding change: c.2248A>G on transcript NM_003587.5 (MANE Select); coding-DNA position 2248, A replaced by G.
Protein change: p.Thr750Ala; replaces threonine 750 with alanine.
Molecular consequence: missense variant.
Genome position (GRCh38, 1-based): chr6:30,656,660, T>C on the plus strand (A>G on the coding strand, the complement: DHX16 is on the minus strand). VCF-style: chr6-30656660-T-C. GRCh37 (hg19) VCF-style: chr6-30624437-T-C.
Other names: c.2068A>G, p.Thr690Ala (NM_001164239.2); c.805A>G, p.Thr269Ala (NM_001363515.2); short protein forms T269A, T690A, T750A.
Identifiers: ClinVar variation 3359495 (VCV003359495.2).

ClinVar aggregate classification (germline): Uncertain significance (1 of 4 stars; one submission).

gnomAD v4.1: 1 of 1,613,962 alleles (0.000062%); highest among the groups gnomAD compares: Non-Finnish European, 0.000085%; no homozygotes.

Submission:

GeneDx
Classification: Uncertain significance. Last evaluated: 2026-01-25. Review status: criteria provided, single submitter. Criteria: GeneDx Variant Classification Process June 2021. Collection method: clinical testing. Allele origin: germline.
Comment: Not observed at significant frequency in large population cohorts (gnomAD); In silico analysis suggests that this missense variant does not alter protein structure/function; Has not been previously published as pathogenic or benign to our knowledge